The following is an entry in ClinVar:

ClinVar aggregate classification (germline): Uncertain significance (1 of 4 stars; one submission).

Conditions:
Cardiovascular phenotype. Identifiers: MedGen CN230736.

Submission:

Ambry Genetics
Classification: Uncertain significance for Cardiovascular phenotype. Last evaluated: 2026-05-24. Review status: criteria provided, single submitter. Criteria: Ambry Variant Classification Scheme 2023. Collection method: clinical testing. Allele origin: germline.
Comment: The p.R1119L variant (also known as c.3356G>T), located in coding exon 22 of the TRPM4 gene, results from a G to T substitution at nucleotide position 3356. The arginine at codon 1119 is replaced by leucine, an amino acid with dissimilar properties. This amino acid position is conserved. In addition, the in silico prediction for this alteration is inconclusive. Based on the available evidence, the clinical significance of this variant remains unclear.

NM_017636.4(TRPM4):c.3356G>T (p.Arg1119Leu)

Gene: TRPM4 (transient receptor potential cation channel subfamily M member 4; plus strand). Cytogenetic location: 19q13.33.
Variant type: single nucleotide variant.
Coding change: c.3356G>T on transcript NM_017636.4 (MANE Select); coding-DNA position 3356, G replaced by T.
Protein change: p.Arg1119Leu; replaces arginine 1119 with leucine.
Molecular consequence: missense variant.
Genome position (GRCh38, 1-based): chr19:49,210,737, G>T. VCF-style: chr19-49210737-G-T. GRCh37 (hg19) VCF-style: chr19-49713994-G-T.
Other names: c.2921G>T, p.Arg974Leu (NM_001195227.2); c.3011G>T, p.Arg1004Leu (NM_001321281.2); c.1748G>T, p.Arg583Leu (NM_001321282.2); c.2834G>T, p.Arg945Leu (NM_001321283.2); c.2294G>T, p.Arg765Leu (NM_001321285.2); short protein forms R1004L, R1119L, R583L, R765L, R945L, R974L.
Identifiers: ClinVar variation 4865980 (VCV004865980.1).